The following is an entry in ClinVar:

NM_002439.5(MSH3):c.2134A>T (p.Ile712Leu)

Gene: MSH3 (mutS homolog 3; plus strand). Cytogenetic location: 5q14.1.
Variant type: single nucleotide variant.
Coding change: c.2134A>T on transcript NM_002439.5 (MANE Select); coding-DNA position 2134, A replaced by T.
Protein change: p.Ile712Leu; replaces isoleucine 712 with leucine.
Molecular consequence: missense variant.
Genome position (GRCh38, 1-based): chr5:80,768,884, A>T. VCF-style: chr5-80768884-A-T. GRCh37 (hg19) VCF-style: chr5-80064703-A-T.
Other names: short protein forms I712L.
Identifiers: ClinVar variation 2565684 (VCV002565684.2), dbSNP rs1580034857, ClinGen allele CA360279344.
Genomic context (GRCh38, chr5:80,768,884, plus strand): 5'-TGATTTTTTAGAGTTGGGGATAAAACTGAATTATTTAAAGACCTTTCTGACTTCCCTTTA[A>T]TAAAAAAGAGGAAGGATGAAATTCAAGGTGTTATTGACGAGATCCGAATGCATTTGCAAG-3'
Protein context (NP_002430.3, residues 702-722): LFKDLSDFPL[Ile712Leu]KKRKDEIQGV

ClinVar aggregate classification (germline): Uncertain significance (1 of 4 stars; one submission).

Conditions:
Hereditary cancer-predisposing syndrome. Also called: Neoplastic Syndromes, Hereditary; Hereditary Cancer Syndrome; Hereditary neoplastic syndrome; Tumor predisposition. Identifiers: Orphanet 140162, MedGen C0027672, MeSH D009386, MONDO:0015356.

Submission:

Ambry Genetics
Classification: Uncertain significance for Hereditary cancer-predisposing syndrome. Last evaluated: 2023-05-31. Review status: criteria provided, single submitter. Criteria: Ambry Variant Classification Scheme 2023. Collection method: clinical testing. Allele origin: germline.
Comment: The p.I712L variant (also known as c.2134A>T), located in coding exon 15 of the MSH3 gene, results from an A to T substitution at nucleotide position 2134. The isoleucine at codon 712 is replaced by leucine, an amino acid with highly similar properties. This amino acid position is conserved. In addition, this alteration is predicted to be tolerated by in silico analysis. Since supporting evidence is limited at this time, the clinical significance of this alteration remains unclear.